The following is an entry in ClinVar:

ClinVar aggregate classification (germline): Uncertain significance (1 of 4 stars; one submission).

Conditions:
Cone-rod dystrophy 6 (CORD6). Also called: RETINAL CONE DYSTROPHY 2; Cone dystrophy progressive. Identifiers: Orphanet 1872, MedGen C1866293, MONDO:0011143, OMIM 601777.
Leber congenital amaurosis 1 (LCA1). Also called: AMAUROSIS CONGENITA OF LEBER I; RETINAL BLINDNESS, CONGENITAL; Congenital absence of the rods and cones; Leber's congenital tapetoretinal degeneration; Leber's congenital tapetoretinal dysplasia. Identifiers: Orphanet 65, MedGen C2931258, MONDO:0008764, OMIM 204000.

Submission:

Labcorp Genetics (formerly Invitae), Labcorp
Classification: Uncertain significance for Leber congenital amaurosis 1; Cone-rod dystrophy 6. Last evaluated: 2020-03-19. Review status: criteria provided, single submitter. Criteria: Invitae Variant Classification Sherloc (09022015). Collection method: clinical testing. Allele origin: germline.
Comment: This variant has not been reported in the literature in individuals with GUCY2D-related conditions. This sequence change replaces threonine with serine at codon 203 of the GUCY2D protein (p.Thr203Ser). The threonine residue is moderately conserved and there is a small physicochemical difference between threonine and serine. This variant is not present in population databases (ExAC no frequency). Algorithms developed to predict the effect of missense changes on protein structure and function (SIFT, PolyPhen-2, Align-GVGD) all suggest that this variant is likely to be tolerated, but these predictions have not been confirmed by published functional studies and their clinical significance is uncertain. In summary, the available evidence is currently insufficient to determine the role of this variant in disease. Therefore, it has been classified as a Variant of Uncertain Significance.

NM_000180.4(GUCY2D):c.607A>T (p.Thr203Ser)

Gene: GUCY2D (guanylate cyclase 2D, retinal; plus strand). Cytogenetic location: 17p13.1.
Variant type: single nucleotide variant.
Coding change: c.607A>T on transcript NM_000180.4 (MANE Select); coding-DNA position 607, A replaced by T.
Protein change: p.Thr203Ser; replaces threonine 203 with serine.
Molecular consequence: missense variant.
Genome position (GRCh38, 1-based): chr17:8,003,654, A>T. VCF-style: chr17-8003654-A-T. GRCh37 (hg19) VCF-style: chr17-7906972-A-T.
Other names: short protein forms T203S.
Identifiers: ClinVar variation 1011145 (VCV001011145.8), dbSNP rs1975680506, ClinGen allele CA397944462.